The following is an entry in ClinVar:

ClinVar aggregate classification (germline): Uncertain significance. Review status: criteria provided, multiple submitters, no conflicts (2 of 4 stars). 2 submissions from 2 submitters: Uncertain significance (2). Last evaluated 2025-04-28.

Conditions:
Inborn genetic diseases. Identifiers: MedGen C0950123, MeSH D030342.

Allele frequency attached by ClinVar (database versions not stated): gnomAD exomes 0.00001 and 0.00002; ExAC 0.00001; gnomAD 0.00003; ESP Exome Variant Server 0.00008; TOPMed 0.00003.
gnomAD v4.1: 18 of 1,612,934 alleles (0.0011%); highest among the groups gnomAD compares: East Asian, 0.013%; no homozygotes.

Submissions (2):

Ambry Genetics
Classification: Uncertain significance for Inborn genetic diseases. Last evaluated: 2025-04-28. Review status: criteria provided, single submitter. Criteria: Ambry Variant Classification Scheme 2023. Collection method: clinical testing. Allele origin: germline.

Labcorp Genetics (formerly Invitae), Labcorp
Classification: Uncertain significance. Last evaluated: 2022-04-22. Review status: criteria provided, single submitter. Criteria: Invitae Variant Classification Sherloc (09022015). Collection method: clinical testing. Allele origin: germline.
Comment: In summary, the available evidence is currently insufficient to determine the role of this variant in disease. Therefore, it has been classified as a Variant of Uncertain Significance. Algorithms developed to predict the effect of missense changes on protein structure and function are either unavailable or do not agree on the potential impact of this missense change (SIFT: "Deleterious"; PolyPhen-2: "Possibly Damaging"; Align-GVGD: "Class C0"). ClinVar contains an entry for this variant (Variation ID: 936198). This variant has not been reported in the literature in individuals affected with RBP3-related conditions. This variant is present in population databases (rs140357670, gnomAD 0.02%). This sequence change replaces alanine, which is neutral and non-polar, with threonine, which is neutral and polar, at codon 549 of the RBP3 protein (p.Ala549Thr).

NM_002900.3(RBP3):c.1645G>A (p.Ala549Thr)

Gene: RBP3 (retinol binding protein 3; plus strand). Cytogenetic location: 10q11.22.
Variant type: single nucleotide variant.
Coding change: c.1645G>A on transcript NM_002900.3 (MANE Select); coding-DNA position 1645, G replaced by A.
Protein change: p.Ala549Thr; replaces alanine 549 with threonine.
Molecular consequence: missense variant.
Genome position (GRCh38, 1-based): chr10:47,350,129, G>A. VCF-style: chr10-47350129-G-A. GRCh37 (hg19) VCF-style: chr10-48389233-C-T.
Other names: short protein forms A549T.
Identifiers: ClinVar variation 936198 (VCV000936198.9), dbSNP rs140357670, ClinGen allele CA5487469.
Genomic context (GRCh38, chr10:47,350,129, plus strand): 5'-CCACGCTACAGCACCCAACGTGGGGTGTATCTGCTCACCAGCCACCGCACCGCCACGGCC[G>A]CGGAGGAGTTCGCCTTCCTTATGCAGTCGCTGGGCTGGGCCACACTGGTAGGTGAGATCA-3'
Protein context (NP_002891.1, residues 539-559): LLTSHRTATA[Ala549Thr]EEFAFLMQSL